The following is an entry in ClinVar:

ClinVar aggregate classification (germline): Likely pathogenic. Review status: criteria provided, multiple submitters, no conflicts (2 of 4 stars). 5 submissions from 5 submitters: Likely pathogenic (4). 1 of the submissions does not count toward it. Last evaluated 2025-02-20.

Conditions:
Mitochondrial trifunctional protein deficiency 1 (MTPD1). Identifiers: MedGen CN376812, MONDO:0958181, OMIM 609015.
Long chain 3-hydroxyacyl-CoA dehydrogenase deficiency. Also called: Deficiency of long-chain 3-hydroxyacyl-coenzyme A dehydrogenase; LCHAD Deficiency. Identifiers: Orphanet 5, MedGen C3711645, MONDO:0012173, OMIM 609016.
Mitochondrial trifunctional protein deficiency. Identifiers: Orphanet 746, MedGen C1969443, MONDO:0012172.

Submissions (5):

Natera, Inc.
Classification: Likely pathogenic for Deficiency of long-chain 3-hydroxyacyl-coenzyme A dehydrogenase. Last evaluated: 2025-02-20. Review status: criteria provided, single submitter. Criteria: Natera Variant Classification Schema (03/2026). Collection method: clinical testing. Allele origin: germline.
Comment: The c.1712T>C variant in HADHA is a missense variant predicted to cause substitution of leucine to proline at amino acid 571. This variant is rare in the general population with a frequency below the threshold expected for the associated phenotype(s). This variant has been observed in one or more individuals affected with the associated recessive disease, as either homozygous or compound heterozygous with a second variant (PMID: 32463482). This variant has been observed to segregate in affected family members (PMID: 29124685). This variant has been identified in one or more affected individual with a phenotype highly consistent with the associated gene (PMID: 32463482). Computational prediction algorithms indicate this variant is likely to affect gene or protein function. Given the available evidence, this variant is classified as Likely Pathogenic.

Labcorp Genetics (formerly Invitae), Labcorp
Classification: Likely pathogenic for Mitochondrial trifunctional protein deficiency; Long chain 3-hydroxyacyl-CoA dehydrogenase deficiency. Last evaluated: 2024-05-22. Review status: criteria provided, single submitter. Criteria: Invitae Variant Classification Sherloc (09022015). Collection method: clinical testing. Allele origin: germline.
Comment: This sequence change replaces leucine, which is neutral and non-polar, with proline, which is neutral and non-polar, at codon 571 of the HADHA protein (p.Leu571Pro). This variant is not present in population databases (gnomAD no frequency). This missense change has been observed in individual(s) with HADHA-related conditions (PMID: 24305961, 26109258, 29124685). ClinVar contains an entry for this variant (Variation ID: 550418). Advanced modeling of protein sequence and biophysical properties (such as structural, functional, and spatial information, amino acid conservation, physicochemical variation, residue mobility, and thermodynamic stability) performed at Invitae indicates that this missense variant is expected to disrupt HADHA protein function with a positive predictive value of 80%. In summary, the currently available evidence indicates that the variant is pathogenic, but additional data are needed to prove that conclusively. Therefore, this variant has been classified as Likely Pathogenic.

Fulgent Genetics
Classification: Likely pathogenic for Mitochondrial trifunctional protein deficiency 1; Long chain 3-hydroxyacyl-CoA dehydrogenase deficiency. Last evaluated: 2024-04-09. Review status: criteria provided, single submitter. Criteria: ACMG Guidelines, 2015. Collection method: clinical testing. Allele origin: germline.

Baylor Genetics
Classification: Likely pathogenic for Long chain 3-hydroxyacyl-CoA dehydrogenase deficiency. Last evaluated: 2024-02-20. Review status: criteria provided, single submitter. Criteria: ACMG Guidelines, 2015. Collection method: clinical testing. Allele origin: unknown.

Counsyl
Classification: Uncertain significance for Long chain 3-hydroxyacyl-CoA dehydrogenase deficiency. Last evaluated: 2017-01-25. Review status: no assertion criteria provided. Collection method: clinical testing. Allele origin: unknown. Not counted in ClinVar's aggregate classification.

Literature cited by the submitters: PubMed 32463482 (cited by Natera, Inc.); PubMed 29124685 (cited by Natera, Inc. and Labcorp Genetics (formerly Invitae), Labcorp); PubMed 24305961 (cited by Labcorp Genetics (formerly Invitae), Labcorp); PubMed 26109258 (cited by Labcorp Genetics (formerly Invitae), Labcorp and Counsyl).

NM_000182.5(HADHA):c.1712T>C (p.Leu571Pro)

Genes: GAREM2 (GRB2 associated regulator of MAPK1 subtype 2; plus strand), HADHA (hydroxyacyl-CoA dehydrogenase trifunctional multienzyme complex subunit alpha; minus strand). Cytogenetic location: 2p23.3.
Variant type: single nucleotide variant.
Coding change: c.1712T>C on transcript NM_000182.5 (MANE Select); coding-DNA position 1712, T replaced by C.
Protein change: p.Leu571Pro; replaces leucine 571 with proline.
Molecular consequence: missense variant.
Genome position (GRCh38, 1-based): chr2:26,193,750, A>G on the plus strand (T>C on the coding strand, the complement: HADHA is on the minus strand). VCF-style: chr2-26193750-A-G. GRCh37 (hg19) VCF-style: chr2-26416619-A-G.
Other names: short protein forms L571P.
Identifiers: ClinVar variation 550418 (VCV000550418.19), dbSNP rs1553312058, ClinGen allele CA346118456.
Genomic context (GRCh38, chr2:26,193,750, plus strand): 5'-ACTTCATCCACCAGTGTGGCGGCACCCACAGGAAAGCCAAAGCTTGTGGTCAGGGAATCC[A>G]GCTTCTTCGGGTCAACTCCTTCCTGAACAGGAAGCGATGCAGGGACCTCAGGGGAAGGGC-3'
Protein context (NP_000173.2, residues 561-581): ILQEGVDPKK[Leu571Pro]DSLTTSFGFP